The following is an entry in ClinVar:

ClinVar aggregate classification (germline): Uncertain significance (1 of 4 stars; one submission).

Allele frequency attached by ClinVar (database versions not stated): ExAC 0.00037.
gnomAD v4.1: 12 of 1,502,508 alleles (0.0008%); highest among the groups gnomAD compares: South Asian, 0.012%; no homozygotes.

Submission:

Labcorp Genetics (formerly Invitae), Labcorp
Classification: Uncertain significance. Last evaluated: 2023-11-06. Review status: criteria provided, single submitter. Criteria: Invitae Variant Classification Sherloc (09022015). Collection method: clinical testing. Allele origin: germline.
Comment: This sequence change falls in intron 1 of the SPPL2A gene. It does not directly change the encoded amino acid sequence of the SPPL2A protein. It affects a nucleotide within the consensus splice site. The frequency data for this variant in the population databases is considered unreliable, as metrics indicate poor data quality at this position in the gnomAD database. This variant has not been reported in the literature in individuals affected with SPPL2A-related conditions. Variants that disrupt the consensus splice site are a relatively common cause of aberrant splicing (PMID: 17576681, 9536098). Algorithms developed to predict the effect of sequence changes on RNA splicing suggest that this variant is not likely to affect RNA splicing. In summary, the available evidence is currently insufficient to determine the role of this variant in disease. Therefore, it has been classified as a Variant of Uncertain Significance.

Literature cited by the submitters: PubMed 17576681; PubMed 9536098.

NM_032802.4(SPPL2A):c.66+5G>A

Genes: SPPL2A (signal peptide peptidase like 2A; minus strand), LOC130057047 (ATAC-STARR-seq lymphoblastoid silent region 6430; plus strand). Cytogenetic location: 15q21.2.
Variant type: single nucleotide variant.
Coding change: c.66+5G>A on transcript NM_032802.4 (MANE Select); 5 bases into the intron after coding-DNA position 66, G replaced by A.
Molecular consequence: intron variant.
Genome position (GRCh38, 1-based): chr15:50,765,463, C>T on the plus strand (G>A on the coding strand, the complement: SPPL2A is on the minus strand). VCF-style: chr15-50765463-C-T. GRCh37 (hg19) VCF-style: chr15-51057660-C-T.
Identifiers: ClinVar variation 2778168 (VCV002778168.3), dbSNP rs777466826, ClinGen allele CA7558591.